The following is an entry in ClinVar:

NM_001267550.2(TTN):c.62284G>C (p.Val20762Leu)

Genes: TTN (titin; minus strand), TTN-AS1 (TTN antisense RNA 1; plus strand). Cytogenetic location: 2q31.2.
Variant type: single nucleotide variant.
Coding change: c.62284G>C on transcript NM_001267550.2 (MANE Select); coding-DNA position 62284, G replaced by C.
Protein change: p.Val20762Leu; replaces valine 20762 with leucine.
Molecular consequence: missense variant.
Genome position (GRCh38, 1-based): chr2:178,589,441, C>G on the plus strand (G>C on the coding strand, the complement: TTN is on the minus strand). VCF-style: chr2-178589441-C-G. GRCh37 (hg19) VCF-style: chr2-179454168-C-G.
Other names: c.57361G>C, p.Val19121Leu (NM_001256850.1); c.35089G>C, p.Val11697Leu (NM_003319.4); c.54580G>C, p.Val18194Leu (NM_133378.4); c.35464G>C, p.Val11822Leu (NM_133432.3); c.35665G>C, p.Val11889Leu (NM_133437.4); short protein forms V11697L, V18194L, V20762L, V11889L, V19121L, V11822L.
Identifiers: ClinVar variation 1732129 (VCV001732129.2), dbSNP rs2469393377, ClinGen allele CA349465303.
Genomic context (GRCh38, chr2:178,589,441, plus strand): 5'-TGACAGTTAGGACCCCACTTAATTTCAGATCAAGTACTGGTTTTTGTAAGTCTTCTTTCA[C>G]AACAACTTCCTCTGTCTTCACCCAGTCACTTTCCCCACCTTCATTCTTTGTTTGCACTCT-3'
Protein context (NP_001254479.2, residues 20752-20772): SDWVKTEEVV[Val20762Leu]KEDLQKPVLD

ClinVar aggregate classification (germline): Uncertain significance (1 of 4 stars; one submission).

Conditions:
Cardiovascular phenotype. Identifiers: MedGen CN230736.

Submission:

Ambry Genetics
Classification: Uncertain significance for Cardiovascular phenotype. Last evaluated: 2019-06-05. Review status: criteria provided, single submitter. Criteria: Ambry Variant Classification Scheme 2023. Collection method: clinical testing. Allele origin: germline.
Comment: The p.V11697L variant (also known as c.35089G>C), located in coding exon 131 of the TTN gene, results from a G to C substitution at nucleotide position 35089. The valine at codon 11697 is replaced by leucine, an amino acid with highly similar properties. This amino acid position is highly conserved in available vertebrate species. In addition, this alteration is predicted to be tolerated by in silico analysis. Since supporting evidence is limited at this time, the clinical significance of this alteration remains unclear.